The following is an entry in ClinVar:

NM_006017.3(PROM1):c.572G>A (p.Arg191Gln)

Gene: PROM1 (prominin 1; minus strand). Cytogenetic location: 4p15.32.
Variant type: single nucleotide variant.
Coding change: c.572G>A on transcript NM_006017.3 (MANE Select); coding-DNA position 572, G replaced by A.
Protein change: p.Arg191Gln; replaces arginine 191 with glutamine.
Molecular consequence: missense variant.
Genome position (GRCh38, 1-based): chr4:16,025,250, C>T on the plus strand (G>A on the coding strand, the complement: PROM1 is on the minus strand). VCF-style: chr4-16025250-C-T. GRCh37 (hg19) VCF-style: chr4-16026873-C-T.
Other names: c.545G>A, p.Arg182Gln (NM_001145847.2, NM_001145848.2, NM_001145851.2 and 4 more transcripts); c.572G>A, p.Arg191Gln (NM_001145849.2, NM_001145850.2); c.572G>A (NM_006017.2); short protein forms R182Q, R191Q.
Identifiers: ClinVar variation 1019855 (VCV001019855.12), dbSNP rs753389458, ClinGen allele CA2867041.

ClinVar aggregate classification (germline): Conflicting classifications of pathogenicity. Review status: criteria provided, conflicting classifications (1 of 4 stars). 5 submissions from 5 submitters: Uncertain significance (4); Likely benign (1). Last evaluated 2025-02-28.

Conditions:
PROM1-related disorder. Also called: PROM1-related disorders; PROM1-related condition.
Retinal dystrophy. Also called: Inherited retinal dystrophy. Identifiers: Orphanet 71862, MedGen C0854723, MeSH D058499, MONDO:0019118, HP:0000556.
Inborn genetic diseases. Identifiers: MedGen C0950123, MeSH D030342.

Allele frequency attached by ClinVar (database versions not stated): ExAC 0.00004; gnomAD exomes 0.00004 and 0.00006; TOPMed 0.00006; gnomAD 0.00008 and 0.00009.
gnomAD v4.1: 77 of 1,613,744 alleles (0.0048%); highest among the groups gnomAD compares: East Asian, 0.0067%; no homozygotes.

Submissions (5):

PreventionGenetics, part of Exact Sciences
Classification: Uncertain significance for PROM1-related condition. Last evaluated: 2025-02-28. Review status: criteria provided, single submitter. Criteria: ACMG Guidelines, 2015. Collection method: clinical testing. Allele origin: germline.
Comment: The PROM1 c.572G>A variant is predicted to result in the amino acid substitution p.Arg191Gln. This variant has not been reported in PROM1-related disease. This variant is reported in 0.028% of alleles in individuals of European (Finnish) descent in gnomAD. At this time, the clinical significance of this variant is uncertain due to the absence of conclusive functional and genetic evidence.

Blueprint Genetics
Classification: Uncertain significance. Last evaluated: 2024-09-02. Review status: criteria provided, single submitter. Criteria: ACMG Guidelines, 2015. Collection method: clinical testing. Allele origin: germline.

Labcorp Genetics (formerly Invitae), Labcorp
Classification: Uncertain significance. Last evaluated: 2024-08-09. Review status: criteria provided, single submitter. Criteria: Invitae Variant Classification Sherloc (09022015). Collection method: clinical testing. Allele origin: germline.
Comment: This sequence change replaces arginine, which is basic and polar, with glutamine, which is neutral and polar, at codon 191 of the PROM1 protein (p.Arg191Gln). This variant is present in population databases (rs753389458, gnomAD 0.03%). This variant has not been reported in the literature in individuals affected with PROM1-related conditions. ClinVar contains an entry for this variant (Variation ID: 1019855). Advanced modeling of protein sequence and biophysical properties (such as structural, functional, and spatial information, amino acid conservation, physicochemical variation, residue mobility, and thermodynamic stability) performed at Invitae indicates that this missense variant is not expected to disrupt PROM1 protein function with a negative predictive value of 80%. In summary, the available evidence is currently insufficient to determine the role of this variant in disease. Therefore, it has been classified as a Variant of Uncertain Significance.

Ambry Genetics
Classification: Likely benign for Inborn genetic diseases. Last evaluated: 2024-01-16. Review status: criteria provided, single submitter. Criteria: Ambry Variant Classification Scheme 2023. Collection method: clinical testing. Allele origin: germline.

Dept Of Ophthalmology, Nagoya University
Classification: Uncertain significance for Retinal dystrophy. Last evaluated: 2023-10-01. Review status: criteria provided, single submitter. Criteria: Submitter's publication. Collection method: research. Allele origin: germline. Affected: yes.